The following is an entry in ClinVar:

ClinVar aggregate classification (germline): Uncertain significance (1 of 4 stars; one submission).

Allele frequency attached by ClinVar (database versions not stated): gnomAD 0.00001; TOPMed 0.00001.
gnomAD v4.1: 2 of 1,614,014 alleles (0.00012%); highest among the groups gnomAD compares: East Asian, 0.0022%; no homozygotes.

Submission:

Labcorp Genetics (formerly Invitae), Labcorp
Classification: Uncertain significance. Last evaluated: 2022-02-10. Review status: criteria provided, single submitter. Criteria: Invitae Variant Classification Sherloc (09022015). Collection method: clinical testing. Allele origin: germline.
Comment: This variant has not been reported in the literature in individuals affected with TBCE-related conditions. In summary, the available evidence is currently insufficient to determine the role of this variant in disease. Therefore, it has been classified as a Variant of Uncertain Significance. Algorithms developed to predict the effect of missense changes on protein structure and function (SIFT, PolyPhen-2, Align-GVGD) all suggest that this variant is likely to be disruptive. This variant is not present in population databases (gnomAD no frequency). This sequence change replaces leucine, which is neutral and non-polar, with proline, which is neutral and non-polar, at codon 383 of the TBCE protein (p.Leu383Pro).

NM_003193.5(TBCE):c.1148T>C (p.Leu383Pro)

Gene: TBCE (tubulin folding cofactor E; plus strand). Cytogenetic location: 1q42.3.
Variant type: single nucleotide variant.
Coding change: c.1148T>C on transcript NM_003193.5 (MANE Select); coding-DNA position 1148, T replaced by C.
Protein change: p.Leu383Pro; replaces leucine 383 with proline.
Molecular consequence: missense variant.
Genome position (GRCh38, 1-based): chr1:235,438,800, T>C. VCF-style: chr1-235438800-T-C. GRCh37 (hg19) VCF-style: chr1-235602115-T-C.
Other names: c.1148T>C, p.Leu383Pro (NM_001079515.3); c.1301T>C, p.Leu434Pro (NM_001287801.2); c.809T>C, p.Leu270Pro (NM_001287802.2); short protein forms L434P, L270P, L383P.
Identifiers: ClinVar variation 1351219 (VCV001351219.8), dbSNP rs1430202343, ClinGen allele CA344944893.